The following is an entry in ClinVar:

NM_006206.6(PDGFRA):c.2980A>T (p.Lys994Ter)

Gene: PDGFRA (platelet derived growth factor receptor alpha; plus strand). Cytogenetic location: 4q12.
Variant type: single nucleotide variant.
Coding change: c.2980A>T on transcript NM_006206.6 (MANE Select); coding-DNA position 2980, A replaced by T.
Protein change: p.Lys994Ter; replaces lysine 994 with a stop codon.
Molecular consequence: nonsense.
Genome position (GRCh38, 1-based): chr4:54,290,412, A>T. VCF-style: chr4-54290412-A-T. GRCh37 (hg19) VCF-style: chr4-55156579-A-T.
Other names: c.3055A>T, p.Lys1019Ter (NM_001347828.2); c.2980A>T, p.Lys994Ter (NM_001347829.2); c.3019A>T, p.Lys1007Ter (NM_001347830.2); short protein forms K1007*, K1019*, K994*.
Identifiers: ClinVar variation 1010094 (VCV001010094.7), dbSNP rs552254049, ClinGen allele CA356896114.

ClinVar aggregate classification (germline): Uncertain significance (1 of 4 stars; one submission).

Conditions:
Gastrointestinal stromal tumor. Also called: Gastrointestinal stromal tumor, somatic; Gastrointestinal stroma tumor. Identifiers: Orphanet 44890, MedGen C0238198, MeSH D046152, MONDO:0011719, OMIM 606764, HP:0100723.

Submission:

Labcorp Genetics (formerly Invitae), Labcorp
Classification: Uncertain significance for Gastrointestinal stromal tumor. Last evaluated: 2020-08-17. Review status: criteria provided, single submitter. Criteria: Invitae Variant Classification Sherloc (09022015). Collection method: clinical testing. Allele origin: germline.
Comment: This sequence change creates a premature translational stop signal (p.Lys994*) in the PDGFRA gene. It is expected to result in an absent or disrupted protein product. In summary, the available evidence is currently insufficient to determine the role of this variant in disease. Therefore, it has been classified as a Variant of Uncertain Significance. The current clinical and genetic evidence is not sufficient to establish whether loss-of-function variants in PDGFRA cause disease. This variant has not been reported in the literature in individuals with PDGFRA-related conditions. This variant is not present in population databases (ExAC no frequency).